The following is an entry in ClinVar:

ClinVar aggregate classification (germline): Conflicting classifications of pathogenicity. Review status: criteria provided, conflicting classifications (1 of 4 stars). 8 submissions from 6 submitters: Uncertain significance (5); Likely benign (3). Last evaluated 2026-01-02.

Conditions:
Fibromuscular dysplasia, multifocal. Identifiers: MedGen C5543412, MONDO:0859151, OMIM 619329.
Ehlers-Danlos syndrome, classic type, 1 (EDSCL1). Also called: Ehlers-Danlos Syndrome, Classic Type, COL5A1-Related; EHLERS-DANLOS SYNDROME, GRAVIS TYPE; EHLERS-DANLOS SYNDROME, SEVERE CLASSIC TYPE; Ehlers-Danlos syndrome, type 1; EDS I. Identifiers: MedGen C0268335, MONDO:0019567, OMIM 130000.
Connective tissue disorder. Also called: Connective tissue disease. Identifiers: MedGen C0009782, MONDO:0003900.
Ehlers-Danlos syndrome, classic type (cEDS). Identifiers: Orphanet 287, MedGen C4225429, MONDO:0007522.
Familial thoracic aortic aneurysm and aortic dissection (TAAD). Also called: Thoracic aortic aneurysms and dissections. Identifiers: Orphanet 91387, MedGen C4707243, MONDO:0019625.

Allele frequency attached by ClinVar (database versions not stated): gnomAD exomes 0.00013; gnomAD 0.00056 and 0.00067; ExAC 0.00005; TOPMed 0.00059.

Submissions (8):

Labcorp Genetics (formerly Invitae), Labcorp
Classification: Likely benign for Ehlers-Danlos syndrome, classic type, 1. Last evaluated: 2026-01-02. Review status: criteria provided, single submitter. Criteria: Invitae Variant Classification Sherloc (09022015). Collection method: clinical testing. Allele origin: germline.

Women's Health and Genetics/Laboratory Corporation of America, LabCorp
Classification: Likely benign. Last evaluated: 2025-07-31. Review status: criteria provided, single submitter. Criteria: LabCorp Variant Classification Summary - May 2015. Collection method: clinical testing. Allele origin: germline.

Center for Genomics, Ann and Robert H. Lurie Children's Hospital of Chicago
Classification: Uncertain significance for Ehlers-Danlos syndrome, classic type, 1. Last evaluated: 2020-12-08. Review status: criteria provided, single submitter. Criteria: ACMG Guidelines, 2015. Collection method: clinical testing. Allele origin: germline.
Comment: COL5A1 NM_000093.4 exon 42 p.Ala1098Thr (c.3292G>A): This variant has not been reported in the literature but is present in 0.1% (29/17386) of African alleles in the Genome Aggregation Database. This variant is present in ClinVar (Variation ID:212960). Evolutionary conservation and computational predictive tools suggest that this variant may impact the protein. In summary, data on this variant is insufficient for disease classification. Therefore, the clinical significance of this variant is uncertain.

Ambry Genetics
Classification: Likely benign for Familial thoracic aortic aneurysm and aortic dissection. Last evaluated: 2020-06-11. Review status: criteria provided, single submitter. Criteria: Ambry Variant Classification Scheme 2023. Collection method: clinical testing. Allele origin: germline.

Center for Genomics, Ann and Robert H. Lurie Children's Hospital of Chicago
Classification: Uncertain significance for Ehlers-Danlos syndrome, classic type, 1. Last evaluated: 2020-04-06. Review status: criteria provided, single submitter. Criteria: ACMG Guidelines, 2015. Collection method: clinical testing. Allele origin: germline.
Comment: the same text as in the submission from Center for Genomics, Ann and Robert H. Lurie Children's Hospital of Chicago above.

Fulgent Genetics
Classification: Uncertain significance for Ehlers-Danlos syndrome, classic type, 1. Last evaluated: 2018-10-31. Review status: criteria provided, single submitter. Criteria: ACMG Guidelines, 2015. Collection method: clinical testing. Allele origin: unknown.

Center for Human Genetics, Inc
Classification: Uncertain significance for Connective tissue disorder. Last evaluated: 2018-06-01. Review status: criteria provided, single submitter. Criteria: ACMG Guidelines, 2015. Collection method: clinical testing. Allele origin: germline. Affected: yes.

Center for Genomics, Ann and Robert H. Lurie Children's Hospital of Chicago
Classification: Uncertain significance for Ehlers-Danlos syndrome, classic type, 1; Fibromuscular dysplasia, multifocal. Review status: criteria provided, single submitter. Criteria: ACMG Guidelines, 2015. Collection method: clinical testing. Allele origin: germline.
Comment: the same text as in the submission from Center for Genomics, Ann and Robert H. Lurie Children's Hospital of Chicago above.

Literature cited by the submitters: PubMed 27975164 (cited by Ambry Genetics).

NM_000093.5(COL5A1):c.3292G>A (p.Ala1098Thr)

Gene: COL5A1 (collagen type V alpha 1 chain; plus strand). Cytogenetic location: 9q34.3.
Variant type: single nucleotide variant.
Coding change: c.3292G>A on transcript NM_000093.5 (MANE Select); coding-DNA position 3292, G replaced by A.
Protein change: p.Ala1098Thr; replaces alanine 1098 with threonine.
Molecular consequence: missense variant.
Genome position (GRCh38, 1-based): chr9:134,806,222, G>A. VCF-style: chr9-134806222-G-A. GRCh37 (hg19) VCF-style: chr9-137698068-G-A.
Other names: c.3292G>A, p.Ala1098Thr (NM_001278074.1); short protein forms A1098T.
Identifiers: ClinVar variation 212960 (VCV000212960.22), dbSNP rs772521985, ClinGen allele CA323028.